The following is an entry in ClinVar:

ClinVar aggregate classification (germline): Pathogenic/Likely pathogenic. Review status: criteria provided, multiple submitters, no conflicts (2 of 4 stars). 3 submissions from 3 submitters: Pathogenic (1); Likely pathogenic (1). 1 of the submissions does not count toward it. Last evaluated 2026-04-07.

Conditions:
ACAN-related disorder. Also called: ACAN-related disorders; ACAN-related condition.
Short stature and advanced bone age, with or without early-onset osteoarthritis and/or osteochondritis dissecans (SSOAOD). Identifiers: Orphanet 251262, MedGen C3665488, MONDO:0100462, OMIM 165800.

Submissions (3):

Clinical Genetics and Genomics, Karolinska University Hospital
Classification: Pathogenic for Short stature and advanced bone age, with or without early-onset osteoarthritis and/or osteochondritis dissecans. Last evaluated: 2026-04-07. Review status: criteria provided, single submitter. Criteria: ACMG Guidelines, 2015. Collection method: clinical testing. Allele origin: maternal. Affected: yes.
Comment: Not observed at significant frequency in large population cohorts (gnomAD). This variant is associated with the following publications: PMID: 20137779‚ 27870580.

Blueprint Genetics
Classification: Likely pathogenic for ACAN-related disorders. Last evaluated: 2023-07-14. Review status: criteria provided, single submitter. Criteria: ACMG Guidelines, 2015. Collection method: clinical testing. Allele origin: germline. Affected: yes. Observed: 1 variant allele.

OMIM
Classification: Pathogenic for SHORT STATURE AND ADVANCED BONE AGE, WITH EARLY-ONSET OSTEOARTHRITIS AND OSTEOCHONDRITIS DISSECANS. Last evaluated: 2010-02-12. Review status: no assertion criteria provided. Collection method: literature only. Allele origin: germline. Not counted in ClinVar's aggregate classification.

Literature cited by the submitters: PubMed 14216462 (cited by OMIM); PubMed 20137779 (cited by OMIM); PubMed 27870580 (cited by OMIM).

NM_001369268.1(ACAN):c.7363G>A (p.Val2455Met)

Gene: ACAN (aggrecan; plus strand). Cytogenetic location: 15q26.1.
Variant type: single nucleotide variant.
Coding change: c.7363G>A on transcript NM_001369268.1 (MANE Select); coding-DNA position 7363, G replaced by A.
Protein change: p.Val2455Met; replaces valine 2455 with methionine.
Molecular consequence: missense variant.
Genome position (GRCh38, 1-based): chr15:88,872,941, G>A. VCF-style: chr15-88872941-G-A. GRCh37 (hg19) VCF-style: chr15-89416172-G-A.
Other names: c.7429G>A (NM_013227.3); c.7135G>A, p.Val2379Met (NM_001135.4); c.7249G>A, p.Val2417Met (NM_013227.4); short protein forms V2379M, V2417M, V2455M.
Identifiers: ClinVar variation 14306 (VCV000014306.5), dbSNP rs267606625, ClinGen allele CA123858.